The following is an entry in ClinVar:

ClinVar aggregate classification (germline): Pathogenic (1 of 4 stars; one submission).

Conditions:
Ehlers-Danlos syndrome due to tenascin-X deficiency (EDSCLL1). Also called: EDS DUE TO TNX DEFICIENCY; TNX DEFICIENCY; Ehlers-Danlos syndrome, classic-like, 1; EHLERS-DANLOS SYNDROME, CLASSIC-LIKE; TNXB-Related Classical-Like Ehlers-Danlos Syndrome. Identifiers: Orphanet 230839, MedGen C1848029, MONDO:0011670, OMIM 606408.

Submission:

Myriad Genetics, Inc.
Classification: Pathogenic for Ehlers-Danlos syndrome due to tenascin-X deficiency. Last evaluated: 2026-02-16. Review status: criteria provided, single submitter. Criteria: Myriad Autosomal Dominant, Autosomal Recessive and X-Linked Classification Criteria (2023). Collection method: clinical testing. Allele origin: unknown.
Comment: NM_019105.6(TNXB):c.1050dupG(R351Afs*90) is expected to be pathogenic in the context of classical-like Ehlers-Danlos syndrome, TNXB-related. This variant is predicted to lead to an abnormal or absent protein product due to the creation of a premature termination codon in TNXB, a gene where loss-of-function variants are known to be pathogenic. Please note: this variant was assessed in the context of healthy population screening.

NM_001365276.2(TNXB):c.1050dup (p.Arg351fs)

Gene: TNXB (tenascin XB; minus strand). Cytogenetic location: 6p21.33.
Variant type: Duplication.
Coding change: c.1050dup on transcript NM_001365276.2 (MANE Select); coding-DNA position 1050, one base duplicated (G; older notation c.1050dupG).
Protein change: p.Arg351fs; shifts the reading frame from arginine 351.
Molecular consequence: frameshift variant.
Genome position (GRCh38, 1-based): chr6:32,096,803, C duplicated on the plus strand (G on the coding strand, the reverse complement: TNXB is on the minus strand); the first of 3 consecutive C bases (chr6:32,096,803-32,096,805); duplicating any one gives the same sequence. VCF-style (leftmost placement, unchanged base first): chr6-32096802-G-GC. GRCh37 (hg19) VCF-style: chr6-32064579-G-GC.
Other names: c.1050dup, p.Arg351fs (NM_001428335.1, NM_019105.8); short protein forms R351fs.
Identifiers: ClinVar variation 5015559 (VCV005015559.1).